The following is an entry in ClinVar:

NM_002900.3(RBP3):c.215G>A (p.Ser72Asn)

Gene: RBP3 (retinol binding protein 3; plus strand). Cytogenetic location: 10q11.22.
Variant type: single nucleotide variant.
Coding change: c.215G>A on transcript NM_002900.3 (MANE Select); coding-DNA position 215, G replaced by A.
Protein change: p.Ser72Asn; replaces serine 72 with asparagine.
Molecular consequence: missense variant.
Genome position (GRCh38, 1-based): chr10:47,348,699, G>A. VCF-style: chr10-47348699-G-A. GRCh37 (hg19) VCF-style: chr10-48390663-C-T.
Other names: short protein forms S72N.
Identifiers: ClinVar variation 1364352 (VCV001364352.8), dbSNP rs2132252234, ClinGen allele CA376664483.

ClinVar aggregate classification (germline): Uncertain significance (1 of 4 stars; one submission).

Allele frequency attached by ClinVar (database versions not stated): gnomAD exomes 0.00001.

Submission:

Labcorp Genetics (formerly Invitae), Labcorp
Classification: Uncertain significance. Last evaluated: 2022-05-21. Review status: criteria provided, single submitter. Criteria: Invitae Variant Classification Sherloc (09022015). Collection method: clinical testing. Allele origin: germline.
Comment: This sequence change replaces serine, which is neutral and polar, with asparagine, which is neutral and polar, at codon 72 of the RBP3 protein (p.Ser72Asn). This variant is not present in population databases (gnomAD no frequency). This variant has not been reported in the literature in individuals affected with RBP3-related conditions. Algorithms developed to predict the effect of missense changes on protein structure and function output the following: SIFT: "Tolerated"; PolyPhen-2: "Benign"; Align-GVGD: "Class C0". The asparagine amino acid residue is found in multiple mammalian species, which suggests that this missense change does not adversely affect protein function. In summary, the available evidence is currently insufficient to determine the role of this variant in disease. Therefore, it has been classified as a Variant of Uncertain Significance.